The following is an entry in ClinVar:

ClinVar aggregate classification (germline): Uncertain significance (1 of 4 stars; one submission).

Conditions:
Spastic paraplegia. Identifiers: MedGen C0037772, HP:0001258.

Allele frequency attached by ClinVar (database versions not stated): gnomAD 0.00001.
gnomAD v4.1: 2 of 1,504,506 alleles (0.00013%); highest among the groups gnomAD compares: African/African-American, 0.0015%; no homozygotes.

Submission:

Labcorp Genetics (formerly Invitae), Labcorp
Classification: Uncertain significance for Spastic paraplegia. Last evaluated: 2021-08-31. Review status: criteria provided, single submitter. Criteria: Invitae Variant Classification Sherloc (09022015). Collection method: clinical testing. Allele origin: germline.
Comment: This sequence change replaces leucine with valine at codon 24 of the CYP7B1 protein (p.Leu24Val). The leucine residue is weakly conserved and there is a small physicochemical difference between leucine and valine. The frequency data for this variant in the population databases is considered unreliable, as metrics indicate insufficient coverage at this position in the ExAC database. This variant has not been reported in the literature in individuals affected with CYP7B1-related conditions. Algorithms developed to predict the effect of missense changes on protein structure and function output the following: SIFT: "Tolerated"; PolyPhen-2: "Benign"; Align-GVGD: "Class C0". The valine amino acid residue is found in multiple mammalian species, which suggests that this missense change does not adversely affect protein function. In summary, the available evidence is currently insufficient to determine the role of this variant in disease. Therefore, it has been classified as a Variant of Uncertain Significance.

NM_004820.5(CYP7B1):c.70C>G (p.Leu24Val)

Gene: CYP7B1 (cytochrome P450 family 7 subfamily B member 1; minus strand). Cytogenetic location: 8q12.3.
Variant type: single nucleotide variant.
Coding change: c.70C>G on transcript NM_004820.5 (MANE Select); coding-DNA position 70, C replaced by G.
Protein change: p.Leu24Val; replaces leucine 24 with valine.
Molecular consequence: missense variant.
Genome position (GRCh38, 1-based): chr8:64,798,518, G>C on the plus strand (C>G on the coding strand, the complement: CYP7B1 is on the minus strand). VCF-style: chr8-64798518-G-C. GRCh37 (hg19) VCF-style: chr8-65711075-G-C.
Other names: c.70C>G, p.Leu24Val (NM_001324112.2); short protein forms L24V.
Identifiers: ClinVar variation 972019 (VCV000972019.7), dbSNP rs1804748061, ClinGen allele CA371408221.